The following is an entry in ClinVar:

ClinVar aggregate classification (germline): Benign (1 of 4 stars; one submission).

Allele frequency attached by ClinVar (database versions not stated): TOPMed 0.04130; 1000 Genomes Project 30x 0.05497; gnomAD 0.03872 and 0.03948; 1000 Genomes Project 0.05212.
gnomAD v4.1: 5,881 of 152,210 alleles (3.9%); highest among the groups gnomAD compares: African/African-American, 9.4%; 200 homozygotes.

Submissions (5):

GeneDx
Classification: Benign. Last evaluated: 2018-06-18. Review status: criteria provided, single submitter. Criteria: GeneDx Variant Classification (06012015). Collection method: clinical testing. Allele origin: germline. Affected: yes.
Comment: This variant is considered likely benign or benign based on one or more of the following criteria: it is a conservative change, it occurs at a poorly conserved position in the protein, it is predicted to be benign by multiple in silico algorithms, and/or has population frequency not consistent with disease.

Dr. Peter K. Rogan Lab, Western University
No classification provided (evidence only). Condition: Sarcoma. Review status: no classification provided. Collection method: in vitro. Allele origin: not applicable. Functional consequence: retained intron. Not counted in ClinVar's aggregate classification.

Dr. Peter K. Rogan Lab, Western University
No classification provided (evidence only). Condition: Sarcoma. Review status: no classification provided. Collection method: in vitro. Allele origin: not applicable. Functional consequence: retained intron. Not counted in ClinVar's aggregate classification.

Dr. Peter K. Rogan Lab, Western University
No classification provided (evidence only). Condition: Thymoma. Review status: no classification provided. Collection method: in vitro. Allele origin: not applicable. Functional consequence: retained intron. Not counted in ClinVar's aggregate classification.

Dr. Peter K. Rogan Lab, Western University
No classification provided (evidence only). Condition: Malignant tumor of esophagus. Review status: no classification provided. Collection method: in vitro. Allele origin: not applicable. Functional consequence: retained intron. Not counted in ClinVar's aggregate classification.

NM_001134363.3(RBM20):c.3316+243C>G

Gene: RBM20 (RNA binding motif protein 20; plus strand). Cytogenetic location: 10q25.2.
Variant type: single nucleotide variant.
Coding change: c.3316+243C>G on transcript NM_001134363.3 (MANE Select); 243 bases into the intron after coding-DNA position 3316, C replaced by G.
Molecular consequence: intron variant.
Genome position (GRCh38, 1-based): chr10:110,822,178, C>G. VCF-style: chr10-110822178-C-G. GRCh37 (hg19) VCF-style: chr10-112581936-C-G.
Other names: NC_000010.10:g.112581936C>G.
Identifiers: ClinVar variation 679071 (VCV000679071.2), dbSNP rs61862920, ClinGen allele CA15670838.